The following is an entry in ClinVar:

ClinVar aggregate classification (germline): Conflicting classifications of pathogenicity. Review status: criteria provided, conflicting classifications (1 of 4 stars). 9 submissions from 9 submitters: Uncertain significance (7); Likely benign (1). 1 of the submissions does not count toward it. Last evaluated 2026-09-01.

Conditions:
Hereditary cancer-predisposing syndrome. Also called: Hereditary neoplastic syndrome; Neoplastic Syndromes, Hereditary; Hereditary Cancer Syndrome; Tumor predisposition. Identifiers: Orphanet 140162, MedGen C0027672, MeSH D009386, MONDO:0015356.
Bloom syndrome (BLM). Also called: Bloom-Torre-Machacek syndrome. Identifiers: Orphanet 125, MedGen C0005859, MONDO:0008876, OMIM 210900.

gnomAD v4.1: 37 of 1,613,858 alleles (0.0023%); highest among the groups gnomAD compares: Non-Finnish European, 0.0031%; no homozygotes.

Submissions (9):

CeGaT Center for Human Genetics Tuebingen
Classification: Uncertain significance. Last evaluated: 2026-09-01. Review status: criteria provided, single submitter. Criteria: CeGaT Center For Human Genetics Tuebingen Variant Classification Criteria Version 2. Collection method: clinical testing. Allele origin: germline. Affected: yes. Observed: 1 variant allele.

Labcorp Genetics (formerly Invitae), Labcorp
Classification: Likely benign for Bloom syndrome. Last evaluated: 2026-02-04. Review status: criteria provided, single submitter. Criteria: Invitae Variant Classification Sherloc (09022015). Collection method: clinical testing. Allele origin: germline.

Quest Diagnostics Nichols Institute San Juan Capistrano
Classification: Uncertain significance. Last evaluated: 2025-10-17. Review status: criteria provided, single submitter. Criteria: Quest Diagnostics criteria. Collection method: clinical testing. Allele origin: unknown.
Comment: The BLM c.3416G>C (p.Arg1139Pro) variant has been reported in the published literature in individuals with breast cancer (PMID: 25619955 (2015), 21815139 (2012)) and oligopolyposis (PMID: 31942411 (2019)). The frequency of this variant in the general population (Genome Aggregation Database) is uninformative in the assessment of its pathogenicity. Analysis of this variant using bioinformatics tools for the prediction of the effect of amino acid changes on protein structure and function yielded predictions that this variant is damaging. Based on the available information, we are unable to determine the clinical significance of this variant.

Ambry Genetics
Classification: Uncertain significance for Hereditary cancer-predisposing syndrome. Last evaluated: 2024-12-03. Review status: criteria provided, single submitter. Criteria: Ambry Variant Classification Scheme 2023. Collection method: clinical testing. Allele origin: germline.
Comment: The p.R1139P variant (also known as c.3416G>C), located in coding exon 17 of the BLM gene, results from a G to C substitution at nucleotide position 3416. The arginine at codon 1139 is replaced by proline, an amino acid with dissimilar properties. This alteration has been reported in individuals diagnosed with breast cancer (Sokolenko AP et al. Int. J. Cancer 2012 Jun;130:2867-73; Sokolenko AP et al. Cancer Lett. 2015 Apr;359:259-61). This alteration was also reported in 1/107 Macedonian individuals with a clinical history of hereditary polyposis or hereditary non-polyposis colorectal cancer who underwent multi-gene panel testing (Staninova-Stojovska M et al. Balkan J Med Genet, 2019 Dec;22:5-16). Additionally, this alteration has been reported in 1/1197 individuals from Greece, Romania, and Turkey undergoing evaluation for inherited cancer predisposition (Tsaousis GN et al. BMC Cancer, 2019 Jun;19:535). This amino acid position is highly conserved in available vertebrate species. In addition, this alteration is predicted to be deleterious by in silico analysis. Based on the available evidence, the clinical significance of this variant remains unclear.

Blueprint Genetics
Classification: Uncertain significance. Last evaluated: 2024-09-17. Review status: criteria provided, single submitter. Criteria: ACMG Guidelines, 2015. Collection method: clinical testing. Allele origin: germline.

Fulgent Genetics
Classification: Uncertain significance for Bloom syndrome. Last evaluated: 2024-02-19. Review status: criteria provided, single submitter. Criteria: ACMG Guidelines, 2015. Collection method: clinical testing. Allele origin: germline.

GeneKor MSA
Classification: Uncertain significance for Hereditary cancer-predisposing syndrome. Last evaluated: 2018-08-01. Review status: criteria provided, single submitter. Criteria: ACMG Guidelines, 2015. Collection method: clinical testing. Allele origin: germline. Affected: yes.

Breakthrough Genomics
Classification: Uncertain significance. Review status: criteria provided, single submitter. Criteria: ACMG Guidelines, 2015. Collection method: not provided. Allele origin: germline. Inheritance: Autosomal recessive inheritance. Affected: yes.

Natera, Inc.
Classification: Uncertain significance for Bloom syndrome. Last evaluated: 2018-07-24. Review status: no assertion criteria provided. Collection method: clinical testing. Allele origin: germline. Not counted in ClinVar's aggregate classification.

Literature cited by the submitters: PubMed 31942411 (cited by Quest Diagnostics Nichols Institute San Juan Capistrano and Ambry Genetics); PubMed 31159747 (cited by Quest Diagnostics Nichols Institute San Juan Capistrano and Ambry Genetics); PubMed 25619955 (cited by Quest Diagnostics Nichols Institute San Juan Capistrano and Ambry Genetics); PubMed 30502717 (cited by Quest Diagnostics Nichols Institute San Juan Capistrano and Ambry Genetics); PubMed 21815139 (cited by Quest Diagnostics Nichols Institute San Juan Capistrano and Ambry Genetics).

NM_000057.4(BLM):c.3416G>C (p.Arg1139Pro)

Gene: BLM (BLM RecQ like helicase; plus strand). Cytogenetic location: 15q26.1.
Variant type: single nucleotide variant.
Coding change: c.3416G>C on transcript NM_000057.4 (MANE Select); coding-DNA position 3416, G replaced by C.
Protein change: p.Arg1139Pro; replaces arginine 1139 with proline.
Molecular consequence: missense variant. On other transcripts: intron variant (1).
Genome position (GRCh38, 1-based): chr15:90,803,578, G>C. VCF-style: chr15-90803578-G-C. GRCh37 (hg19) VCF-style: chr15-91346808-G-C.
Other names: c.3416G>C, p.Arg1139Pro (NM_001287246.2); c.2291G>C, p.Arg764Pro (NM_001287248.2); c.3358+5241G>C (NM_001287247.2); short protein forms R1139P, R764P.
Identifiers: ClinVar variation 405312 (VCV000405312.23), dbSNP rs771776126, ClinGen allele CA7739029.